The following is an entry in ClinVar:

NM_000169.3(GLA):c.271A>C (p.Ile91Leu)

Genes: GLA (galactosidase alpha; minus strand), RPL36A-HNRNPH2 (RPL36A-HNRNPH2 readthrough; plus strand). Cytogenetic location: Xq22.1.
Variant type: single nucleotide variant.
Coding change: c.271A>C on transcript NM_000169.3 (MANE Select); coding-DNA position 271, A replaced by C.
Protein change: p.Ile91Leu; replaces isoleucine 91 with leucine.
Molecular consequence: missense variant. On other transcripts: non-coding transcript variant (3), intron variant (2).
Genome position (GRCh38, 1-based): chrX:101,403,909, T>G on the plus strand (A>C on the coding strand, the complement: GLA is on the minus strand). VCF-style: chrX-101403909-T-G. GRCh37 (hg19) VCF-style: chrX-100658897-T-G.
Other names: c.394A>C, p.Ile132Leu (NM_001406747.1, NM_001406749.1); c.271A>C, p.Ile91Leu (NM_001406748.1); c.301-8027T>G (NM_001199973.2); c.178-8027T>G (NM_001199974.2); short protein forms I132L, I91L.
Identifiers: ClinVar variation 2840457 (VCV002840457.3), dbSNP rs2520913943, ClinGen allele CA413933767.

ClinVar aggregate classification (germline): Uncertain significance (1 of 4 stars; one submission).

Conditions:
Fabry disease. Also called: Fabry's disease; ALPHA-GALACTOSIDASE A DEFICIENCY; ANDERSON-FABRY DISEASE; CERAMIDE TRIHEXOSIDASE DEFICIENCY; GLA DEFICIENCY; HEREDITARY DYSTOPIC LIPIDOSIS. Identifiers: Orphanet 324, MedGen C0002986, MONDO:0010526, OMIM 301500, HP:0001071. Disease mechanism: Fabry disease is due to inactivating mutations in the X-linked GLA gene resulting in deficiency of the enzyme Alpha Galactosidase-A., loss of function.

Submission:

Labcorp Genetics (formerly Invitae), Labcorp
Classification: Uncertain significance for Fabry disease. Last evaluated: 2023-02-24. Review status: criteria provided, single submitter. Criteria: Invitae Variant Classification Sherloc (09022015). Collection method: clinical testing. Allele origin: germline.
Comment: In summary, the available evidence is currently insufficient to determine the role of this variant in disease. Therefore, it has been classified as a Variant of Uncertain Significance. This variant disrupts the p.Ile91 amino acid residue in GLA. Other variant(s) that disrupt this residue have been determined to be pathogenic (PMID: 9100224, 17555407, 19287194, 21598360, 23935525, 26415523, 27560961). This suggests that this residue is clinically significant, and that variants that disrupt this residue are likely to be disease-causing. Advanced modeling of protein sequence and biophysical properties (such as structural, functional, and spatial information, amino acid conservation, physicochemical variation, residue mobility, and thermodynamic stability) performed at Invitae indicates that this missense variant is not expected to disrupt GLA protein function. This variant has not been reported in the literature in individuals affected with GLA-related conditions. This variant is not present in population databases (gnomAD no frequency). This sequence change replaces isoleucine, which is neutral and non-polar, with leucine, which is neutral and non-polar, at codon 91 of the GLA protein (p.Ile91Leu).

Literature cited by the submitters: PubMed 9100224; PubMed 17555407; PubMed 19287194; PubMed 21598360; PubMed 23935525; PubMed 26415523; PubMed 27560961.